The following is an entry in ClinVar:

NM_000466.3(PEX1):c.1142C>T (p.Ala381Val)

Gene: PEX1 (peroxisomal biogenesis factor 1; minus strand). Cytogenetic location: 7q21.2.
Variant type: single nucleotide variant.
Coding change: c.1142C>T on transcript NM_000466.3 (MANE Select); coding-DNA position 1142, C replaced by T.
Protein change: p.Ala381Val; replaces alanine 381 with valine.
Molecular consequence: missense variant.
Genome position (GRCh38, 1-based): chr7:92,517,373, G>A on the plus strand (C>T on the coding strand, the complement: PEX1 is on the minus strand). VCF-style: chr7-92517373-G-A. GRCh37 (hg19) VCF-style: chr7-92146687-G-A.
Other names: c.1142C>T, p.Ala381Val (NM_001282677.2); c.518C>T, p.Ala173Val (NM_001282678.2); short protein forms A381V, A173V.
Identifiers: ClinVar variation 2154585 (VCV002154585.1), dbSNP rs73404416, ClinGen allele CA4341483.

ClinVar aggregate classification (germline): Uncertain significance (1 of 4 stars; one submission).

Conditions:
Zellweger spectrum disorders (ZS). Also called: Zellweger Spectrum Disorder (ZSD); Zellweger Spectrum Disorder; Zellweger Spectrum; Zellweger syndrome. Identifiers: Orphanet 912, MedGen C0043459, MONDO:0019609.

gnomAD v4.1: 7 of 1,613,244 alleles (0.00043%); highest among the groups gnomAD compares: South Asian, 0.0011%; no homozygotes.

Submission:

Labcorp Genetics (formerly Invitae), Labcorp
Classification: Uncertain significance for Zellweger spectrum disorders. Last evaluated: 2022-02-22. Review status: criteria provided, single submitter. Criteria: Invitae Variant Classification Sherloc (09022015). Collection method: clinical testing. Allele origin: germline.
Comment: This sequence change replaces alanine, which is neutral and non-polar, with valine, which is neutral and non-polar, at codon 381 of the PEX1 protein (p.Ala381Val). This variant is present in population databases (rs73404416, gnomAD 0.0009%). This variant has not been reported in the literature in individuals affected with PEX1-related conditions. Advanced modeling of protein sequence and biophysical properties (such as structural, functional, and spatial information, amino acid conservation, physicochemical variation, residue mobility, and thermodynamic stability) performed at Invitae indicates that this missense variant is not expected to disrupt PEX1 protein function. Algorithms developed to predict the effect of sequence changes on RNA splicing suggest that this variant may create or strengthen a splice site. In summary, the available evidence is currently insufficient to determine the role of this variant in disease. Therefore, it has been classified as a Variant of Uncertain Significance.